The following is an entry in ClinVar:

ClinVar aggregate classification (germline): Pathogenic. Review status: criteria provided, multiple submitters, no conflicts (2 of 4 stars). 4 submissions from 4 submitters: Pathogenic (4). Last evaluated 2026-02-03.

Conditions:
Hereditary cancer-predisposing syndrome. Also called: Neoplastic Syndromes, Hereditary; Hereditary Cancer Syndrome; Tumor predisposition; Hereditary neoplastic syndrome. Identifiers: Orphanet 140162, MedGen C0027672, MeSH D009386, MONDO:0015356.
Ataxia-telangiectasia syndrome (AT). Also called: LOUIS-BAR SYNDROME; Cerebello-oculocutaneous telangiectasia; Immunodeficiency with ataxia telangiectasia; Ataxia-telangiectasia, complementation group D; AT, COMPLEMENTATION GROUP C; Ataxia-telangiectasia, complementation group E. Identifiers: Orphanet 100, MedGen C0004135, MONDO:0008840, OMIM 208900.
Familial cancer of breast. Also called: Hereditary breast cancer; BREAST CANCER, FAMILIAL; hereditary breast carcinoma. Identifiers: Orphanet 227535, MedGen C0346153, MONDO:0016419, OMIM 114480. Disease mechanism: loss of function.

Submissions (4):

Myriad Genetics, Inc.
Classification: Pathogenic for Familial cancer of breast. Last evaluated: 2026-02-03. Review status: criteria provided, single submitter. Criteria: Myriad Autosomal Dominant, Autosomal Recessive and X-Linked Classification Criteria (2023). Collection method: clinical testing. Allele origin: unknown.
Comment: This variant is considered pathogenic. This variant creates a frameshift predicted to result in premature protein truncation.

Labcorp Genetics (formerly Invitae), Labcorp
Classification: Pathogenic for Ataxia-telangiectasia syndrome. Last evaluated: 2022-06-08. Review status: criteria provided, single submitter. Criteria: Invitae Variant Classification Sherloc (09022015). Collection method: clinical testing. Allele origin: germline.
Comment: This variant is not present in population databases (gnomAD no frequency). For these reasons, this variant has been classified as Pathogenic. Algorithms developed to predict the effect of sequence changes on RNA splicing suggest that this variant may disrupt the consensus splice site. ClinVar contains an entry for this variant (Variation ID: 485232). This variant has not been reported in the literature in individuals affected with ATM-related conditions. This sequence change creates a premature translational stop signal (p.Ser1987Phefs*2) in the ATM gene. It is expected to result in an absent or disrupted protein product. Loss-of-function variants in ATM are known to be pathogenic (PMID: 23807571, 25614872).

GeneDx
Classification: Pathogenic. Last evaluated: 2018-04-05. Review status: criteria provided, single submitter. Criteria: GeneDx Variant Classification (06012015). Collection method: clinical testing. Allele origin: germline. Affected: yes.
Comment: This duplication of one nucleotide in ATM is denoted c.5959dupT at the cDNA level and p.Ser1987PhefsX2 (S1987FfsX2) at the protein level. The normal sequence, with the base that is duplicated in brackets, is TATT[dupT]CTAG. The duplication causes a frameshift which changes a Serine to a Phenylalanine at codon 1987, and creates a premature stop codon at position 2 of the new reading frame. Although this variant has not, to our knowledge, been reported in the literature, it is predicted to cause loss of normal protein function through either protein truncation or nonsense-mediated mRNA decay. We consider this variant to be pathogenic.

Ambry Genetics
Classification: Pathogenic for Hereditary cancer-predisposing syndrome. Last evaluated: 2017-05-26. Review status: criteria provided, single submitter. Criteria: Ambry Variant Classification Scheme 2023. Collection method: clinical testing. Allele origin: germline.
Comment: The c.5959dupT pathogenic mutation, located in coding exon 39 of the ATM gene, results from a duplication of T at nucleotide position 5959, causing a translational frameshift with a predicted alternate stop codon (p.S1987Ffs*2). This alteration is expected to result in loss of function by premature protein truncation or nonsense-mediated mRNA decay. As such, this alteration is interpreted as a disease-causing mutation.

Literature cited by the submitters: PubMed 23807571 (cited by Labcorp Genetics (formerly Invitae), Labcorp); PubMed 25614872 (cited by Labcorp Genetics (formerly Invitae), Labcorp).

NM_000051.4(ATM):c.5959dup (p.Ser1987fs)

Genes: ATM (ATM serine/threonine kinase; plus strand), C11orf65 (chromosome 11 open reading frame 65; minus strand). Cytogenetic location: 11q22.3.
Variant type: Duplication.
Coding change: c.5959dup on transcript NM_000051.4 (MANE Select); coding-DNA position 5959, one base duplicated (T; older notation c.5959dupT).
Protein change: p.Ser1987fs; shifts the reading frame from serine 1987.
Molecular consequence: frameshift variant. On other transcripts: intron variant (2).
Genome position (GRCh38, 1-based): chr11:108,312,451, T duplicated; the last of 3 consecutive T bases (chr11:108,312,449-108,312,451); duplicating any one gives the same sequence. VCF-style (leftmost placement, unchanged base first): chr11-108312448-A-AT. GRCh37 (hg19) VCF-style: chr11-108183175-A-AT.
Other names: c.5959dupT (NM_000051.3); c.5959dup, p.Ser1987fs (NM_001351834.2); c.641-3378dup (NM_001330368.2); c.*39-3378dup (NM_001351110.2); short protein forms S1987fs.
Identifiers: ClinVar variation 485232 (VCV000485232.15), dbSNP rs1555111808, ClinGen allele CA658656172.